The following is an entry in ClinVar:

ClinVar aggregate classification (germline): Uncertain significance (1 of 4 stars; one submission).

Conditions:
Acrocallosal syndrome (ACLS). Also called: Schinzel syndrome 1; Absence of corpus callosum with unusual facial appearance, mental deficiency, duplication of the halluces and polydactyly; HALLUX DUPLICATION, POSTAXIAL POLYDACTYLY, AND ABSENCE OF CORPUS CALLOSUM. Identifiers: Orphanet 36, MedGen C0796147, MONDO:0008708, OMIM 200990.

Allele frequency attached by ClinVar (database versions not stated): gnomAD 0.00002 and 0.00003; TOPMed 0.00003; ESP Exome Variant Server 0.00008.

Submission:

Labcorp Genetics (formerly Invitae), Labcorp
Classification: Uncertain significance for Acrocallosal syndrome. Last evaluated: 2020-10-24. Review status: criteria provided, single submitter. Criteria: Invitae Variant Classification Sherloc (09022015). Collection method: clinical testing. Allele origin: germline.
Comment: In summary, the available evidence is currently insufficient to determine the role of this variant in disease. Therefore, it has been classified as a Variant of Uncertain Significance. Algorithms developed to predict the effect of missense changes on protein structure and function output the following: SIFT: "Deleterious"; PolyPhen-2: "Benign"; Align-GVGD: "Class C0". The asparagine amino acid residue is found in multiple mammalian species, suggesting that this missense change does not adversely affect protein function. These predictions have not been confirmed by published functional studies and their clinical significance is uncertain. This variant has not been reported in the literature in individuals with KIF7-related conditions. This variant is not present in population databases (ExAC no frequency). This sequence change replaces serine with asparagine at codon 657 of the KIF7 protein (p.Ser657Asn). The serine residue is moderately conserved and there is a small physicochemical difference between serine and asparagine.

NM_198525.3(KIF7):c.1970G>A (p.Ser657Asn)

Gene: KIF7 (kinesin family member 7; minus strand). Cytogenetic location: 15q26.1.
Variant type: single nucleotide variant.
Coding change: c.1970G>A on transcript NM_198525.3 (MANE Select); coding-DNA position 1970, G replaced by A.
Protein change: p.Ser657Asn; replaces serine 657 with asparagine.
Molecular consequence: missense variant.
Genome position (GRCh38, 1-based): chr15:89,645,404, C>T on the plus strand (G>A on the coding strand, the complement: KIF7 is on the minus strand). VCF-style: chr15-89645404-C-T. GRCh37 (hg19) VCF-style: chr15-90188635-C-T.
Other names: short protein forms S657N.
Identifiers: ClinVar variation 1024529 (VCV001024529.6), dbSNP rs367617135, ClinGen allele CA274581080.
Genomic context (GRCh38, chr15:89,645,404, plus strand): 5'-CCTGGAATGGCTGCATCCAACTCCTCAAGGCAAAGCTCTGGGCCCTTCCTCTCTGGCAGA[C>T]TCCCTGGGCGTGCCCCCGCCCTCTGACTGCAGTTGCTGATCCTATTTCTGGAGGACAGAA-3'
Protein context (NP_940927.2, residues 647-667): CSQRAGARPG[Ser657Asn]LPERKGPELC